The following is an entry in ClinVar:

NM_003579.4(RAD54L):c.1265A>G (p.Glu422Gly)

Gene: RAD54L (RAD54 like; plus strand). Cytogenetic location: 1p34.1.
Variant type: single nucleotide variant.
Coding change: c.1265A>G on transcript NM_003579.4 (MANE Select); coding-DNA position 1265, A replaced by G.
Protein change: p.Glu422Gly; replaces glutamic acid 422 with glycine.
Molecular consequence: missense variant.
Genome position (GRCh38, 1-based): chr1:46,272,692, A>G. VCF-style: chr1-46272692-A-G. GRCh37 (hg19) VCF-style: chr1-46738364-A-G.
Other names: c.1265A>G, p.Glu422Gly (NM_001142548.2); c.725A>G, p.Glu242Gly (NM_001370766.1); short protein forms E242G, E422G.
Identifiers: ClinVar variation 3429809 (VCV003429809.1).

ClinVar aggregate classification (germline): Uncertain significance (1 of 4 stars; one submission).

Submission:

Ambry Genetics
Classification: Uncertain significance. Last evaluated: 2024-08-19. Review status: criteria provided, single submitter. Criteria: Ambry Variant Classification Scheme 2023. Collection method: clinical testing. Allele origin: germline.
Comment: The p.E422G variant (also known as c.1265A>G), located in coding exon 12 of the RAD54L gene, results from an A to G substitution at nucleotide position 1265. The glutamic acid at codon 422 is replaced by glycine, an amino acid with similar properties. This amino acid position is conserved. In addition, the in silico prediction for this alteration is inconclusive. Based on the available evidence, the clinical significance of this variant remains unclear.